The following is an entry in ClinVar:

NM_001277115.2(DNAH11):c.631C>G (p.Leu211Val)

Gene: DNAH11 (dynein axonemal heavy chain 11; plus strand). Cytogenetic location: 7p15.3.
Variant type: single nucleotide variant.
Coding change: c.631C>G on transcript NM_001277115.2 (MANE Select); coding-DNA position 631, C replaced by G.
Protein change: p.Leu211Val; replaces leucine 211 with valine.
Molecular consequence: missense variant.
Genome position (GRCh38, 1-based): chr7:21,558,937, C>G. VCF-style: chr7-21558937-C-G. GRCh37 (hg19) VCF-style: chr7-21598555-C-G.
Other names: short protein forms L211V.
Identifiers: ClinVar variation 1525595 (VCV001525595.8), dbSNP rs1384315256, ClinGen allele CA366932552.

ClinVar aggregate classification (germline): Uncertain significance (1 of 4 stars; one submission).

Conditions:
Primary ciliary dyskinesia. Also called: Ciliary dyskinesia. Identifiers: Orphanet 244, MedGen C0008780, MONDO:0016575, HP:0012265.

Allele frequency attached by ClinVar (database versions not stated): TOPMed 0.00001.
gnomAD v4.1: 2 of 1,596,912 alleles (0.00013%); highest among the groups gnomAD compares: Non-Finnish European, 0.00017%; no homozygotes.

Submission:

Labcorp Genetics (formerly Invitae), Labcorp
Classification: Uncertain significance for Primary ciliary dyskinesia. Last evaluated: 2020-11-05. Review status: criteria provided, single submitter. Criteria: Invitae Variant Classification Sherloc (09022015). Collection method: clinical testing. Allele origin: germline.
Comment: In summary, the available evidence is currently insufficient to determine the role of this variant in disease. Therefore, it has been classified as a Variant of Uncertain Significance. Advanced modeling of protein sequence and biophysical properties (such as structural, functional, and spatial information, amino acid conservation, physicochemical variation, residue mobility, and thermodynamic stability) performed at Invitae indicates that this missense variant is not expected to disrupt DNAH11 protein function. This variant has not been reported in the literature in individuals with DNAH11-related conditions. This variant is not present in population databases (ExAC no frequency). This sequence change replaces leucine with valine at codon 211 of the DNAH11 protein (p.Leu211Val). The leucine residue is moderately conserved and there is a small physicochemical difference between leucine and valine.